The following is an entry in ClinVar:

ClinVar aggregate classification (germline): Benign (0 of 4 stars; one submission).

Conditions:
TNS1-related disorder. Also called: TNS1-related condition.

Allele frequency attached by ClinVar (database versions not stated): TOPMed 0.00010; 1000 Genomes Project 30x 0.00515; 1000 Genomes Project 0.00599.
gnomAD v4.1: 1,609 of 1,614,062 alleles (0.1%); highest among the groups gnomAD compares: South Asian, 1.6%; 26 homozygotes.

Submission:

PreventionGenetics, part of Exact Sciences
Classification: Benign for TNS1-related condition. Last evaluated: 2019-05-14. Review status: no assertion criteria provided. Collection method: clinical testing. Allele origin: germline.
Comment: This variant is classified as benign based on ACMG/AMP sequence variant interpretation guidelines (Richards et al. 2015 PMID: 25741868, with internal and published modifications).

NM_001387777.1(TNS1):c.1688G>A (p.Arg563Gln)

Gene: TNS1 (tensin 1; minus strand). Cytogenetic location: 2q35.
Variant type: single nucleotide variant.
Coding change: c.1688G>A on transcript NM_001387777.1 (MANE Select); coding-DNA position 1688, G replaced by A.
Protein change: p.Arg563Gln; replaces arginine 563 with glutamine.
Molecular consequence: missense variant.
Genome position (GRCh38, 1-based): chr2:217,848,829, C>T on the plus strand (G>A on the coding strand, the complement: TNS1 is on the minus strand). VCF-style: chr2-217848829-C-T. GRCh37 (hg19) VCF-style: chr2-218713552-C-T.
Other names: c.1313G>A, p.Arg438Gln (NM_001308022.2, NM_001308023.2, NM_022648.7); short protein forms R438Q, R563Q.
Identifiers: ClinVar variation 3041450 (VCV003041450.2), dbSNP rs201977904, ClinGen allele CA2100416.